The following is an entry in ClinVar:

ClinVar aggregate classification (germline): Uncertain significance (1 of 4 stars; one submission).

Submission:

GeneDx
Classification: Uncertain significance. Last evaluated: 2026-03-16. Review status: criteria provided, single submitter. Criteria: GeneDx Variant Classification Process June 2021. Collection method: clinical testing. Allele origin: germline.
Comment: Not observed at significant frequency in large population cohorts (gnomAD); In silico analysis supports that this missense variant has a deleterious effect on protein structure/function; Has not been previously published as pathogenic or benign to our knowledge

NM_002397.5(MEF2C):c.1174T>C (p.Ser392Pro)

Gene: MEF2C (myocyte enhancer factor 2C; minus strand). Cytogenetic location: 5q14.3.
Variant type: single nucleotide variant.
Coding change: c.1174T>C on transcript NM_002397.5 (MANE Select); coding-DNA position 1174, T replaced by C.
Protein change: p.Ser392Pro; replaces serine 392 with proline.
Molecular consequence: missense variant. On other transcripts: intron variant (24).
Genome position (GRCh38, 1-based): chr5:88,722,852, A>G on the plus strand (T>C on the coding strand, the complement: MEF2C is on the minus strand). VCF-style: chr5-88722852-A-G. GRCh37 (hg19) VCF-style: chr5-88018669-A-G.
Other names: c.1144T>C, p.Ser382Pro (NM_001131005.2); c.1204T>C, p.Ser402Pro (NM_001193347.1); c.1006T>C, p.Ser336Pro (NM_001193348.1); c.1174T>C, p.Ser392Pro (NM_001193350.2, NM_001364329.2, NM_001364330.2 and 1 more transcripts); c.1150T>C, p.Ser384Pro (NM_001308002.3, NM_001364333.2); c.1030T>C, p.Ser344Pro (NM_001364344.2); c.796T>C, p.Ser266Pro (NM_001364353.2); c.1101-23T>C (NM_001364334.2, NM_001364335.2, NM_001364337.2 and 2 more transcripts); and 10 more; short protein forms S266P, S336P, S344P, S382P, S384P, S392P, S402P.
Identifiers: ClinVar variation 3365967 (VCV003365967.2).